The following is an entry in ClinVar:

ClinVar aggregate classification (germline): Benign/Likely benign. Review status: criteria provided, multiple submitters, no conflicts (2 of 4 stars). 7 submissions from 7 submitters: Benign (1); Likely benign (6). Last evaluated 2025-12-06.

Conditions:
Epidermolysis bullosa simplex, Ogna type (EBS5A). Also called: Pidermolysis bullosa simplex 5A, Ogna type; EPIDERMOLYSIS BULLOSA SIMPLEX 5A, OGNA TYPE. Identifiers: Orphanet 79401, MedGen C0432317, MONDO:0007555, OMIM 131950.
Epidermolysis bullosa simplex with nail dystrophy (EBS5D). Identifiers: MedGen C4225309, MONDO:0014661, OMIM 616487.
Autosomal recessive limb-girdle muscular dystrophy type 2Q (LGMDR17). Also called: MUSCULAR DYSTROPHY, LIMB-GIRDLE, AUTOSOMAL RECESSIVE 17. Identifiers: Orphanet 254361, MedGen C3150989, MONDO:0013390, OMIM 613723.
Epidermolysis bullosa simplex 5C, with pyloric atresia (EBS5C). Also called: Epidermolysis bullosa simplex with pyloric atresia; PLEC1-Related Epidermolysis Bullosa with Pyloric Atresia; PLEC-Related Epidermolysis Bullosa with Pyloric Atresia. Identifiers: Orphanet 158684, MedGen C2677349, MONDO:0012807, OMIM 612138.
Epidermolysis bullosa simplex 5B, with muscular dystrophy (EBS5B). Also called: Epidermolysis bullosa simplex with muscular dystrophy; EPIDERMOLYSIS BULLOSA SIMPLEX AND LIMB-GIRDLE MUSCULAR DYSTROPHY. Identifiers: Orphanet 257, MedGen C2931072, MONDO:0009181, OMIM 226670.

Allele frequency attached by ClinVar (database versions not stated): gnomAD exomes 0.00013 and 0.00035; ExAC 0.00033; 1000 Genomes Project 30x 0.00078; 1000 Genomes Project 0.00080; gnomAD 0.00132 and 0.00144; TOPMed 0.00164; ESP Exome Variant Server 0.00179.
gnomAD v4.1: 396 of 1,612,548 alleles (0.025%); highest among the groups gnomAD compares: African/African-American, 0.46%; 1 homozygote.

Submissions (7):

Labcorp Genetics (formerly Invitae), Labcorp
Classification: Benign for Autosomal recessive limb-girdle muscular dystrophy type 2Q; Epidermolysis bullosa simplex, Ogna type; Epidermolysis bullosa simplex with nail dystrophy; Epidermolysis bullosa simplex 5C, with pyloric atresia; Epidermolysis bullosa simplex 5B, with muscular dystrophy. Last evaluated: 2025-12-06. Review status: criteria provided, single submitter. Criteria: Invitae Variant Classification Sherloc (09022015). Collection method: clinical testing. Allele origin: germline.

Blueprint Genetics
Classification: Likely benign. Last evaluated: 2024-09-02. Review status: criteria provided, single submitter. Criteria: ACMG Guidelines, 2015. Collection method: clinical testing. Allele origin: germline.

CeGaT Center for Human Genetics Tuebingen
Classification: Likely benign. Last evaluated: 2022-07-01. Review status: criteria provided, single submitter. Criteria: CeGaT Center For Human Genetics Tuebingen Variant Classification Criteria Version 2. Collection method: clinical testing. Allele origin: germline. Affected: yes. Observed: 1 variant allele.
Comment: PLEC: BP4, BP7

GeneDx
Classification: Likely benign. Last evaluated: 2021-06-21. Review status: criteria provided, single submitter. Criteria: GeneDx Variant Classification Process June 2021. Collection method: clinical testing. Allele origin: germline. Affected: yes.

Athena Diagnostics
Classification: Likely benign. Last evaluated: 2017-03-22. Review status: criteria provided, single submitter. Criteria: Athena Diagnostics Criteria. Collection method: clinical testing. Allele origin: germline.

Eurofins Ntd Llc (ga)
Classification: Likely benign. Last evaluated: 2015-09-26. Review status: criteria provided, single submitter. Criteria: EGL Classification Definitions 2015. Collection method: clinical testing. Allele origin: germline. Observed: 1 variant allele, 1 heterozygote.

Breakthrough Genomics
Classification: Likely benign. Review status: criteria provided, single submitter. Criteria: ACMG Guidelines, 2015. Collection method: not provided. Allele origin: germline. Inheritance: Autosomal recessive inheritance. Affected: yes.

NM_201384.3(PLEC):c.1824C>T (p.Ser608=)

Gene: PLEC (plectin; minus strand). Cytogenetic location: 8q24.3.
Variant type: single nucleotide variant.
Coding change: c.1824C>T on transcript NM_201384.3 (MANE Select); coding-DNA position 1824, C replaced by T.
Protein change: p.Ser608=; no amino-acid change (serine 608 retained).
Molecular consequence: synonymous variant.
Genome position (GRCh38, 1-based): chr8:143,932,553, G>A on the plus strand (C>T on the coding strand, the complement: PLEC is on the minus strand). VCF-style: chr8-143932553-G-A. GRCh37 (hg19) VCF-style: chr8-145006721-G-A.
Other names: c.1905C>T, p.Ser635= (NM_000445.5); c.1782C>T, p.Ser594= (NM_201378.4); c.1758C>T, p.Ser586= (NM_201379.3); c.2235C>T, p.Ser745= (NM_201380.4); c.1728C>T, p.Ser576= (NM_201381.3); c.1824C>T, p.Ser608= (NM_201382.4); c.1836C>T, p.Ser612= (NM_201383.3).
Identifiers: ClinVar variation 283662 (VCV000283662.42), dbSNP rs201927593, ClinGen allele CA4927824.